The following is an entry in ClinVar:

NM_001378778.1(MPDZ):c.2422C>T (p.His808Tyr)

Gene: MPDZ (multiple PDZ domain crumbs cell polarity complex component; minus strand). Cytogenetic location: 9p23.
Variant type: single nucleotide variant.
Coding change: c.2422C>T on transcript NM_001378778.1 (MANE Select); coding-DNA position 2422, C replaced by T.
Protein change: p.His808Tyr; replaces histidine 808 with tyrosine.
Molecular consequence: missense variant.
Genome position (GRCh38, 1-based): chr9:13,186,329, G>A on the plus strand (C>T on the coding strand, the complement: MPDZ is on the minus strand). VCF-style: chr9-13186329-G-A. GRCh37 (hg19) VCF-style: chr9-13186328-G-A.
Other names: c.2422C>T, p.His808Tyr (NM_001375422.1, NM_001375423.1, NM_001375424.1 and 14 more transcripts); short protein forms H808Y.
Identifiers: ClinVar variation 1970332 (VCV001970332.5), dbSNP rs767244737, ClinGen allele CA4987465.

ClinVar aggregate classification (germline): Uncertain significance (1 of 4 stars; one submission).

Allele frequency attached by ClinVar (database versions not stated): ExAC 0.00002.
gnomAD v4.1: 2 of 1,595,680 alleles (0.00013%); highest among the groups gnomAD compares: East Asian, 0.0023%; no homozygotes.

Submission:

Labcorp Genetics (formerly Invitae), Labcorp
Classification: Uncertain significance. Last evaluated: 2022-05-20. Review status: criteria provided, single submitter. Criteria: Invitae Variant Classification Sherloc (09022015). Collection method: clinical testing. Allele origin: germline.
Comment: In summary, the available evidence is currently insufficient to determine the role of this variant in disease. Therefore, it has been classified as a Variant of Uncertain Significance. Algorithms developed to predict the effect of missense changes on protein structure and function output the following: SIFT: "Tolerated"; PolyPhen-2: "Benign"; Align-GVGD: "Class C0". The tyrosine amino acid residue is found in multiple mammalian species, which suggests that this missense change does not adversely affect protein function. This variant has not been reported in the literature in individuals affected with MPDZ-related conditions. The frequency data for this variant in the population databases is considered unreliable, as metrics indicate poor data quality at this position in the gnomAD database. This sequence change replaces histidine, which is basic and polar, with tyrosine, which is neutral and polar, at codon 808 of the MPDZ protein (p.His808Tyr).